The following is an entry in ClinVar:

ClinVar aggregate classification (germline): Pathogenic. Review status: criteria provided, multiple submitters, no conflicts (2 of 4 stars). 10 submissions from 10 submitters: Pathogenic (8). 2 of the submissions do not count toward it. Last evaluated 2025-09-16.

Conditions:
VPS13B-related disorder. Also called: VPS13B-related condition.
Cohen syndrome (COH1). Also called: PEPPER SYNDROME; Cutis verticis gyrata, retinitis pigmentosa, and sensorineural deafness. Identifiers: Orphanet 193, MedGen C0265223, MONDO:0008999, OMIM 216550.
Retinal dystrophy. Also called: Inherited retinal dystrophy. Identifiers: Orphanet 71862, MedGen C0854723, MeSH D058499, MONDO:0019118, HP:0000556.
Microcephaly. Also called: Microcephaly (disease). Identifiers: MedGen C4551563, MONDO:0001149, HP:0000252.
Intellectual disability. Also called: intellectual disabilities; Intellectual developmental disorder; Intellectual functioning disability. Identifiers: MedGen C3714756, MeSH D008607, MONDO:0001071, HP:0001249.
Short stature. Identifiers: MedGen C0349588, HP:0004322.
Small hand. Also called: Small hands. Identifiers: MedGen C0575802, HP:0200055.
Short foot. Identifiers: MedGen C1848673, HP:0001773.
Decreased total neutrophil count. Also called: Neutropenia. Identifiers: MedGen C0853697, MONDO:0001475, HP:0001875.
Recurrent aphthous stomatitis. Also called: Canker sore. Identifiers: MedGen C2937365, MONDO:0005318, HP:0011107.
Progressive visual loss. Identifiers: MedGen C1839364, HP:0000529.

Allele frequency attached by ClinVar (database versions not stated): gnomAD 0.00001 and 0.00002; gnomAD exomes 0.00001; TOPMed 0.00002.
gnomAD v4.1: 11 of 1,614,034 alleles (0.00068%); highest among the groups gnomAD compares: Non-Finnish European, 0.00076%; no homozygotes.

Submissions (10):

Natera, Inc.
Classification: Pathogenic for Cohen syndrome. Last evaluated: 2025-09-16. Review status: criteria provided, single submitter. Criteria: Natera Variant Classification Schema (03/2026). Collection method: clinical testing. Allele origin: germline.
Comment: The c.11314C>T variant in VPS13B is a nonsense variant predicted to introduce a stop codon at amino acid 3772. This variant is expected to result in nonsense mediated decay, truncation, or a dysfunctional protein product. This variant is rare in the general population with a frequency below the threshold expected for the associated phenotype(s). This variant has been observed in one or more individuals affected with the associated recessive disease, as either homozygous or compound heterozygous with a second variant (PMID: 17990063, 15154116). Given the available evidence, this variant is classified as Pathogenic.

Labcorp Genetics (formerly Invitae), Labcorp
Classification: Pathogenic for Cohen syndrome. Last evaluated: 2025-01-20. Review status: criteria provided, single submitter. Criteria: Invitae Variant Classification Sherloc (09022015). Collection method: clinical testing. Allele origin: germline.
Comment: This sequence change creates a premature translational stop signal (p.Gln3772*) in the VPS13B gene. It is expected to result in an absent or disrupted protein product. Loss-of-function variants in VPS13B are known to be pathogenic (PMID: 15141358, 16648375, 20461111). This variant is not present in population databases (gnomAD no frequency). This premature translational stop signal has been observed in individual(s) with Cohen syndrome (PMID: 15154116, 17990063). ClinVar contains an entry for this variant (Variation ID: 56635). For these reasons, this variant has been classified as Pathogenic.

Fulgent Genetics
Classification: Pathogenic for Cohen syndrome. Last evaluated: 2024-04-10. Review status: criteria provided, single submitter. Criteria: ACMG Guidelines, 2015. Collection method: clinical testing. Allele origin: germline.

Institute of Medical Genetics and Applied Genomics, University Hospital Tübingen
Classification: Pathogenic for Cohen syndrome. Last evaluated: 2023-01-20. Review status: criteria provided, single submitter. Criteria: ACMG Guidelines, 2015. Collection method: clinical testing. Allele origin: germline. Inheritance: Autosomal recessive inheritance. Affected: yes.

GeneDx
Classification: Pathogenic. Last evaluated: 2022-11-02. Review status: criteria provided, single submitter. Criteria: GeneDx Variant Classification Process June 2021. Collection method: clinical testing. Allele origin: germline. Affected: yes.
Comment: Nonsense variant predicted to result in protein truncation or nonsense mediated decay in a gene for which loss-of-function is a known mechanism of disease; Not observed in large population cohorts (gnomAD); Identified in an individual with Cohen syndrome in published literature (Hennies et al., 2004); This variant is associated with the following publications: (PMID: 25525159, 15154116, 31589614, 33959574, 17990063)

Women's Health and Genetics/Laboratory Corporation of America, LabCorp
Classification: Pathogenic for Cohen syndrome. Last evaluated: 2022-10-31. Review status: criteria provided, single submitter. Criteria: LabCorp Variant Classification Summary - May 2015. Collection method: clinical testing. Allele origin: germline.
Comment: Variant summary: VPS13B c.11314C>T (p.Gln3772X) results in a premature termination codon, predicted to cause a truncation of the encoded protein or absence of the protein due to nonsense mediated decay, which are commonly known mechanisms for disease. Truncations downstream of this position have been classified as pathogenic by our laboratory. The variant was absent in 251482 control chromosomes (gnomAD). c.11314C>T has been reported in the literature in individuals affected with Cohen Syndrome (Hennies_2004, Katzaki_2007). These data indicate that the variant may be associated with disease. To our knowledge, no experimental evidence demonstrating an impact on protein function has been reported. Three ClinVar submitters have assessed the variant since 2014: one classified the variant as likely pathogenic and two as pathogenic. Based on the evidence outlined above, the variant was classified as pathogenic.

Blueprint Genetics
Classification: Pathogenic for VPS13B-related disorders. Last evaluated: 2022-02-17. Review status: criteria provided, single submitter. Criteria: ACMG Guidelines, 2015. Collection method: clinical testing. Allele origin: germline. Affected: yes. Observed: 1 variant allele.

Centre for Mendelian Genomics, University Medical Centre Ljubljana
Classification: Pathogenic for Intellectual disability; Microcephaly; Decreased total neutrophil count; Progressive visual loss; Recurrent aphthous stomatitis; Retinal dystrophy; Short foot; Short stature; Small hand. Last evaluated: 2014-11-07. Review status: criteria provided, single submitter. Criteria: ACMG Guidelines, 2015. Collection method: clinical testing. Allele origin: unknown. Affected: yes.

Counsyl
Classification: Likely pathogenic for Cohen syndrome. Last evaluated: 2015-07-20. Review status: no assertion criteria provided. Collection method: clinical testing. Allele origin: unknown. Not counted in ClinVar's aggregate classification.

Juha Muilu Group; Institute for Molecular Medicine Finland (FIMM)
Classification: Likely pathogenic for Cohen syndrome. Review status: no assertion criteria provided. Collection method: not provided. Allele origin: unknown. Not counted in ClinVar's aggregate classification.
Comment: FinDis database variant: This variant was not found or characterized by our laboratory, data were collected from public sources: see reference
ClinVar note: Converted during submission from probable-pathogenic to Likely pathogenic.

Literature cited by the submitters: PubMed 17990063 (cited by 4 submitters); PubMed 15154116 (cited by 4 submitters); PubMed 15141358 (cited by Labcorp Genetics (formerly Invitae), Labcorp); PubMed 16648375 (cited by Labcorp Genetics (formerly Invitae), Labcorp); PubMed 20461111 (cited by Labcorp Genetics (formerly Invitae), Labcorp); PubMed 34353225 (cited by Women's Health and Genetics/Laboratory Corporation of America, LabCorp); PubMed 25525159 (cited by Counsyl).

NM_152564.5(VPS13B):c.11239C>T (p.Gln3747Ter)

Gene: VPS13B (vacuolar protein sorting 13 homolog B; plus strand). Cytogenetic location: 8q22.2.
Variant type: single nucleotide variant.
Coding change: c.11239C>T on transcript NM_152564.5 (MANE Select); coding-DNA position 11239, C replaced by T.
Protein change: p.Gln3747Ter; replaces glutamine 3747 with a stop codon.
Molecular consequence: nonsense.
Genome position (GRCh38, 1-based): chr8:99,868,312, C>T. VCF-style: chr8-99868312-C-T. GRCh37 (hg19) VCF-style: chr8-100880540-C-T.
Other names: c.11314C>T, p.Gln3772Ter (NM_017890.5); short protein forms Q3772*, Q3747*.
Identifiers: ClinVar variation 56635 (VCV000056635.22), dbSNP rs386834061, ClinGen allele CA264008.